The following is an entry in ClinVar:

NM_181458.4(PAX3):c.667C>T (p.Arg223Ter)

Gene: PAX3 (paired box 3; minus strand). Cytogenetic location: 2q36.1.
Variant type: single nucleotide variant.
Coding change: c.667C>T on transcript NM_181458.4 (MANE Select); coding-DNA position 667, C replaced by T.
Protein change: p.Arg223Ter; replaces arginine 223 with a stop codon.
Molecular consequence: nonsense.
Genome position (GRCh38, 1-based): chr2:222,232,203, G>A on the plus strand (C>T on the coding strand, the complement: PAX3 is on the minus strand). VCF-style: chr2-222232203-G-A. GRCh37 (hg19) VCF-style: chr2-223096922-G-A.
Other names: c.664C>T, p.Arg222Ter (NM_001127366.3); c.667C>T, p.Arg223Ter (NM_181457.4, NM_181459.4, NM_181460.4 and 1 more transcripts); c.667C>T (NM_181459.3); short protein forms R223*, R222*.
Identifiers: ClinVar variation 503680 (VCV000503680.45), dbSNP rs772241382, ClinGen allele CA2135602.

ClinVar aggregate classification (germline): Pathogenic. Review status: criteria provided, multiple submitters, no conflicts (2 of 4 stars). 13 submissions from 13 submitters: Pathogenic (13). Last evaluated 2026-08-06.

Conditions:
PAX3-related disorder. Also called: PAX3-related condition.
Waardenburg syndrome type 1 (WS1). Also called: Waardenburg Syndrome Type I; WAARDENBURG SYNDROME WITH DYSTOPIA CANTHORUM. Identifiers: Orphanet 894, MedGen C1847800, MONDO:0008670, OMIM 193500.
Waardenburg syndrome type 3 (WS3). Also called: KLEIN-WAARDENBURG SYNDROME; Klein-Waardenberg's syndrome; WAARDENBURG SYNDROME WITH UPPER LIMB ANOMALIES. Identifiers: Orphanet 3440, Orphanet 896, MedGen C0079661, MONDO:0007862, OMIM 148820.
Monogenic hearing loss.

Allele frequency attached by ClinVar (database versions not stated): gnomAD exomes below 0.00001; ExAC 0.00001.
gnomAD v4.1: 2 of 1,614,036 alleles (0.00012%); highest among the groups gnomAD compares: South Asian, 0.0011%; no homozygotes.

Submissions (13):

Genetics Laboratory, Great Ormond Street Hospital NHS Foundation Trust, North Thames Genomic Laboratory Hub
Classification: Pathogenic for Monogenic hearing loss. Last evaluated: 2026-08-06. Review status: criteria provided, single submitter. Criteria: ACGS Best Practice Guidelines for Variant Classification in Rare Disease 2024 v1.2. Collection method: clinical testing. Allele origin: germline. Affected: yes.
Comment: PS4_moderate, PM2_moderate, PVS1_very-strong, PP1_strong, PM6_moderate

Variantyx, Inc.
Classification: Pathogenic for Waardenburg syndrome type 1. Last evaluated: 2025-12-03. Review status: criteria provided, single submitter. Criteria: Variantyx Assertion Criteria 2022. Collection method: clinical testing. Allele origin: de novo. Inheritance: Autosomal dominant inheritance. Affected: yes.
Comment: This is a nonsense variant in the PAX3 gene (OMIM: 606597). Pathogenic variants in this gene have been associated with autosomal dominant Waardenburg syndrome type 1. The alteration introduces a premature termination codon in exon 5 out of 9 and is expected to result in loss of function, which is a known disease mechanism for PAX3 in this disorder (PMID: 1347148, 8490648, 8533800) (PVS1). This variant has been reported in many unrelated affected individuals (PMID: 26275939, 34599368, 34142234, 27759048, 8019556) (PS4_Moderate), and it likely occurred de novo in individuals reported in the published literature; however, the possibility of parental germline mosaicism cannot be excluded (PMID: 30978479, 27759048) (PS2_Moderate). It has been observed to segregate with disease in at least ten individuals from three families (PMID: 26275939, 34599368, 8019556) (PP1). This variant has a 0.0011% maximum allele frequency in non-founder control populations (PM2). Based on the current evidence, this variant is classified as pathogenic for autosomal dominant Waardenburg syndrome type 1.

Labcorp Genetics (formerly Invitae), Labcorp
Classification: Pathogenic. Last evaluated: 2025-02-03. Review status: criteria provided, single submitter. Criteria: Invitae Variant Classification Sherloc (09022015). Collection method: clinical testing. Allele origin: germline.
Comment: This sequence change creates a premature translational stop signal (p.Arg223*) in the PAX3 gene. It is expected to result in an absent or disrupted protein product. Loss-of-function variants in PAX3 are known to be pathogenic (PMID: 20127975, 23512835). This variant is present in population databases (rs772241382, gnomAD 0.003%). This premature translational stop signal has been observed in individual(s) with Waardenburg syndrome (PMID: 8019556, 30978479). It has also been observed to segregate with disease in related individuals. ClinVar contains an entry for this variant (Variation ID: 503680). For these reasons, this variant has been classified as Pathogenic.

GeneDx
Classification: Pathogenic. Last evaluated: 2024-05-21. Review status: criteria provided, single submitter. Criteria: GeneDx Variant Classification Process June 2021. Collection method: clinical testing. Allele origin: germline. Affected: yes.
Comment: Nonsense variant predicted to result in protein truncation or nonsense mediated decay in a gene for which loss of function is a known mechanism of disease; Not observed at significant frequency in large population cohorts (gnomAD); This variant is associated with the following publications: (PMID: 20478267, 9654197, 17254487, 25525159, 8019556, 20664692, 9541113, 26275939, 30978479, 34008892, 34142234, 34599368, 37211999, 35982127, 27759048, 8533800)

CeGaT Center for Human Genetics Tuebingen
Classification: Pathogenic. Last evaluated: 2024-03-01. Review status: criteria provided, single submitter. Criteria: CeGaT Center For Human Genetics Tuebingen Variant Classification Criteria Version 2. Collection method: clinical testing. Allele origin: germline. Affected: yes. Observed: 1 variant allele.
Comment: PAX3: PVS1, PM2, PS4:Moderate

Institute of Human Genetics Munich, TUM University Hospital
Classification: Pathogenic for Waardenburg syndrome type 1. Last evaluated: 2024-02-26. Review status: criteria provided, single submitter. Criteria: Classification criteria August 2017. Collection method: clinical testing. Allele origin: germline. Inheritance: Autosomal dominant inheritance. Affected: yes. Observed: 1 variant allele.

Blueprint Genetics
Classification: Pathogenic for PAX3-related disorders. Last evaluated: 2022-12-22. Review status: criteria provided, single submitter. Criteria: ACMG Guidelines, 2015. Collection method: clinical testing. Allele origin: germline. Affected: yes. Observed: 1 variant allele.

Laboratory of Medical Genetics, National & Kapodistrian University of Athens
Classification: Pathogenic for Waardenburg syndrome type 1. Last evaluated: 2021-10-01. Review status: criteria provided, single submitter. Criteria: ACMG Guidelines, 2015. Collection method: clinical testing. Allele origin: unknown. Affected: yes.
Comment: PVS1, PM1, PM2, PP3, PP4, PP5

Greenwood Genetic Center Diagnostic Laboratories, Greenwood Genetic Center
Classification: Pathogenic. Last evaluated: 2020-08-04. Review status: criteria provided, single submitter. Criteria: ACMG Guidelines, 2015. Collection method: clinical testing. Allele origin: germline. Affected: yes.

Genetic Testing Center for Deafness, Department of Otolaryngology Head & Neck Surgery, Institute of Otolaryngology, Chinese PLA General Hospital
Classification: Pathogenic for Waardenburg syndrome type 1. Last evaluated: 2019-01-01. Review status: criteria provided, single submitter. Criteria: ACMG Guidelines, 2015. Collection method: clinical testing. Allele origin: inherited. Affected: yes.

Baylor Genetics
Classification: Pathogenic for Waardenburg syndrome type 3. Last evaluated: 2018-04-23. Review status: criteria provided, single submitter. Criteria: ACMG Guidelines, 2015. Collection method: clinical testing. Allele origin: paternal. Affected: yes.
Comment: This variant was determined to be pathogenic according to ACMG Guidelines, 2015 [PMID:25741868]. This variant has been previously reported as pathogenic [PMID 8019556, 26275939, 27759048, 25525159]

Laboratory of Molecular, Cellular and Translation Genetics in Otolaryngology/ Lim32-hcfmusp, University of Sao Paulo School of Medicine Clinics Hospital
Classification: Pathogenic for Waardenburg syndrome type 1. Review status: criteria provided, single submitter. Criteria: ClinGen HL ACMG Specifications v1. Collection method: research. Allele origin: germline. Inheritance: Autosomal dominant inheritance. Affected: yes. Observed: 3 variant alleles, 3 heterozygotes. Clinical features observed: Prelingual sensorineural hearing impairment (HP:0000399), Heterochromia iridis (HP:0001100), Telecanthus (HP:0000506), Abnormality of hair pigmentation (HP:0009887), Synophrys (HP:0000664), Abnormal skin pigmentation (HP:0001000), Abnormal facial shape (HP:0001999). Segregation with disease observed.

Neuberg Centre For Genomic Medicine, NCGM
Classification: Pathogenic for Waardenburg syndrome type 1. Review status: criteria provided, single submitter. Criteria: ACMG Guidelines, 2015. Collection method: clinical testing. Allele origin: germline. Inheritance: Autosomal dominant inheritance. Affected: yes.

Literature cited by the submitters: PubMed 1347148 (cited by Variantyx, Inc.); PubMed 8490648 (cited by Variantyx, Inc.); PubMed 8533800 (cited by Variantyx, Inc.); PubMed 26275939 (cited by Variantyx, Inc. and Baylor Genetics); PubMed 34599368 (cited by Variantyx, Inc. and Laboratory of Molecular, Cellular and Translation Genetics in Otolaryngology/ Lim32-hcfmusp, University of Sao Paulo School of Medicine Clinics Hospital); PubMed 34142234 (cited by Variantyx, Inc.); PubMed 27759048 (cited by Variantyx, Inc. and Baylor Genetics); PubMed 8019556 (cited by 3 submitters); PubMed 30978479 (cited by Variantyx, Inc. and Labcorp Genetics (formerly Invitae), Labcorp); PubMed 20127975 (cited by Labcorp Genetics (formerly Invitae), Labcorp); PubMed 23512835 (cited by Labcorp Genetics (formerly Invitae), Labcorp); PubMed 34008892 (cited by Laboratory of Medical Genetics, National & Kapodistrian University of Athens); PubMed 25525159 (cited by Baylor Genetics).